The following is an entry in ClinVar:

NM_006267.5(RANBP2):c.7129G>A (p.Val2377Ile)

Gene: RANBP2 (RAN binding protein 2; plus strand). Cytogenetic location: 2q13.
Variant type: single nucleotide variant.
Coding change: c.7129G>A on transcript NM_006267.5 (MANE Select); coding-DNA position 7129, G replaced by A.
Protein change: p.Val2377Ile; replaces valine 2377 with isoleucine.
Molecular consequence: missense variant.
Genome position (GRCh38, 1-based): chr2:108,767,668, G>A. VCF-style: chr2-108767668-G-A. GRCh37 (hg19) VCF-style: chr2-109384124-G-A.
Other names: short protein forms V2377I.
Identifiers: ClinVar variation 1303745 (VCV001303745.2), dbSNP rs1573820858, ClinGen allele CA348077114.

ClinVar aggregate classification (germline): Uncertain significance (1 of 4 stars; one submission).

Allele frequency attached by ClinVar (database versions not stated): gnomAD exomes 0.00001; TOPMed 0.00001.
gnomAD v4.1: 8 of 1,611,980 alleles (0.0005%); highest among the groups gnomAD compares: African/African-American, 0.0013%; no homozygotes.

Submission:

GeneDx
Classification: Uncertain significance. Last evaluated: 2019-06-20. Review status: criteria provided, single submitter. Criteria: GeneDx Variant Classification Process June 2021. Collection method: clinical testing. Allele origin: germline. Affected: yes.
Comment: Not observed in large population cohorts (Lek et al., 2016); In silico analysis, which includes protein predictors and evolutionary conservation, supports that this variant does not alter protein structure/function; Has not been previously published as pathogenic or benign to our knowledge